The following is an entry in ClinVar:

ClinVar aggregate classification (germline): Uncertain significance (1 of 4 stars; one submission).

Conditions:
Hereditary cancer-predisposing syndrome. Also called: Neoplastic Syndromes, Hereditary; Tumor predisposition; Hereditary Cancer Syndrome; Hereditary neoplastic syndrome. Identifiers: Orphanet 140162, MedGen C0027672, MeSH D009386, MONDO:0015356.

Submission:

Ambry Genetics
Classification: Uncertain significance for Hereditary cancer-predisposing syndrome. Last evaluated: 2026-03-25. Review status: criteria provided, single submitter. Criteria: Ambry Variant Classification Scheme 2023. Collection method: clinical testing. Allele origin: germline.
Comment: The p.A478S variant (also known as c.1432G>T), located in coding exon 10 of the PTCH1 gene, results from a G to T substitution at nucleotide position 1432. The alanine at codon 478 is replaced by serine, an amino acid with similar properties. This amino acid position is well conserved in available vertebrate species. In addition, the in silico prediction for this alteration is inconclusive. Based on the available evidence, the clinical significance of this variant remains unclear.

NM_000264.5(PTCH1):c.1432G>T (p.Ala478Ser)

Gene: PTCH1 (patched 1; minus strand). Cytogenetic location: 9q22.32.
Variant type: single nucleotide variant.
Coding change: c.1432G>T on transcript NM_000264.5 (MANE Select); coding-DNA position 1432, G replaced by T.
Protein change: p.Ala478Ser; replaces alanine 478 with serine.
Molecular consequence: missense variant. On other transcripts: non-coding transcript variant (1), intron variant (1).
Genome position (GRCh38, 1-based): chr9:95,477,618, C>A on the plus strand (G>T on the coding strand, the complement: PTCH1 is on the minus strand). VCF-style: chr9-95477618-C-A. GRCh37 (hg19) VCF-style: chr9-98239900-C-A.
Other names: c.1234G>T, p.Ala412Ser (NM_001083602.3); c.1429G>T, p.Ala477Ser (NM_001083603.3); c.979G>T, p.Ala327Ser (NM_001083604.3, NM_001083605.3, NM_001083606.3 and 1 more transcripts); c.1347+437G>T (NM_001354918.2); short protein forms A327S, A412S, A477S, A478S.
Identifiers: ClinVar variation 4862619 (VCV004862619.1).